The following is an entry in ClinVar:

ClinVar aggregate classification (germline): Likely benign. Review status: criteria provided, multiple submitters, no conflicts (2 of 4 stars). 2 submissions from 2 submitters: Likely benign (2). Last evaluated 2025-05-06.

Conditions:
Intellectual disability. Also called: Intellectual functioning disability; intellectual disabilities; Intellectual developmental disorder. Identifiers: MedGen C3714756, MeSH D008607, MONDO:0001071, HP:0001249.

gnomAD v4.1: 132 of 1,614,040 alleles (0.0082%); highest among the groups gnomAD compares: Non-Finnish European, 0.0098%; no homozygotes.

Submissions (2):

Women's Health and Genetics/Laboratory Corporation of America, LabCorp
Classification: Likely benign. Last evaluated: 2025-05-06. Review status: criteria provided, single submitter. Criteria: LabCorp Variant Classification Summary - May 2015. Collection method: clinical testing. Allele origin: germline.
Comment: Variant summary: KMT2C c.7402C>T (p.Pro2468Ser) results in a non-conservative amino acid change in the encoded protein sequence. Algorithms developed to predict the effect of missense changes on protein structure and function are either unavailable or do not agree on the potential impact of this missense change. The variant allele was found at a frequency of 8.2e-05 in 1607066 control chromosomes, predominantly at a frequency of 9.8e-05 within the Non-Finnish European subpopulation in the gnomAD database (v4.1 dataset). The occurrence in several carriers suggests that this variant is likely not associated with a high penetrance, severe, early onset disease phenotype in heterozygous state. To our knowledge, no occurrence of c.7402C>T in individuals affected with Kleefstra Syndrome 2 and no experimental evidence demonstrating its impact on protein function have been reported. No submitters have cited clinical-significance assessments for this variant to ClinVar. Based on the evidence outlined above, the variant was classified as likely benign.

Cambridge Genomics Laboratory, East Genomic Laboratory Hub, NHS Genomic Medicine Service
Classification: Likely benign for Intellectual disability. Last evaluated: 2020-03-09. Review status: criteria provided, single submitter. Criteria: ACGS Best Practice Guidelines for Variant Classification in Rare Disease 2020. Collection method: clinical testing. Allele origin: germline. Affected: yes. Observed: 1 variant allele.

NM_170606.3(KMT2C):c.7402C>T (p.Pro2468Ser)

Gene: KMT2C (lysine methyltransferase 2C; minus strand). Cytogenetic location: 7q36.1.
Variant type: single nucleotide variant.
Coding change: c.7402C>T on transcript NM_170606.3 (MANE Select); coding-DNA position 7402, C replaced by T.
Protein change: p.Pro2468Ser; replaces proline 2468 with serine.
Molecular consequence: missense variant.
Genome position (GRCh38, 1-based): chr7:152,179,874, G>A on the plus strand (C>T on the coding strand, the complement: KMT2C is on the minus strand). VCF-style: chr7-152179874-G-A. GRCh37 (hg19) VCF-style: chr7-151876959-G-A.
Other names: short protein forms P2468S.
Identifiers: ClinVar variation 3902482 (VCV003902482.2).